The following is an entry in ClinVar:

NM_020750.3(XPO5):c.1483G>A (p.Val495Ile)

Genes: POLR1C (RNA polymerase I and III subunit C; plus strand), XPO5 (exportin 5; minus strand). Cytogenetic location: 6p21.1.
Variant type: single nucleotide variant.
Coding change: c.1483G>A on transcript NM_020750.3 (MANE Select); coding-DNA position 1483, G replaced by A.
Protein change: p.Val495Ile; replaces valine 495 with isoleucine.
Molecular consequence: missense variant. On other transcripts: non-coding transcript variant (1), intron variant (1).
Genome position (GRCh38, 1-based): chr6:43,553,462, C>T on the plus strand (G>A on the coding strand, the complement: XPO5 is on the minus strand). VCF-style: chr6-43553462-C-T. GRCh37 (hg19) VCF-style: chr6-43521199-C-T.
Other names: c.*42+2451C>T (NM_001363658.2); short protein forms V495I.
Identifiers: ClinVar variation 2188120 (VCV002188120.4), dbSNP rs111387355, ClinGen allele CA138291347.

ClinVar aggregate classification (germline): Conflicting classifications of pathogenicity. Review status: criteria provided, conflicting classifications (1 of 4 stars). 2 submissions from 2 submitters: Uncertain significance (1); Likely benign (1). Last evaluated 2026-01-28.

Allele frequency attached by ClinVar (database versions not stated): gnomAD 0.00006; TOPMed 0.00007.
gnomAD v4.1: 27 of 1,577,190 alleles (0.0017%); highest among the groups gnomAD compares: African/African-American, 0.018%; no homozygotes.

Submissions (2):

Labcorp Genetics (formerly Invitae), Labcorp
Classification: Uncertain significance. Last evaluated: 2026-01-28. Review status: criteria provided, single submitter. Criteria: Invitae Variant Classification Sherloc (09022015). Collection method: clinical testing. Allele origin: germline.
Comment: This sequence change replaces valine, which is neutral and non-polar, with isoleucine, which is neutral and non-polar, at codon 495 of the XPO5 protein (p.Val495Ile). The frequency data for this variant in the population databases is considered unreliable, as metrics indicate poor data quality at this position in the gnomAD database. This variant has not been reported in the literature in individuals affected with XPO5-related conditions. ClinVar contains an entry for this variant (Variation ID: 2188120). An algorithm developed to predict the effect of missense changes on protein structure and function outputs the following: PolyPhen-2: "Benign". The isoleucine amino acid residue is found in multiple mammalian species, which suggests that this missense change does not adversely affect protein function. In summary, the available evidence is currently insufficient to determine the role of this variant in disease. Therefore, it has been classified as a Variant of Uncertain Significance.

Ambry Genetics
Classification: Likely benign. Last evaluated: 2025-01-22. Review status: criteria provided, single submitter. Criteria: Ambry Variant Classification Scheme 2023. Collection method: clinical testing. Allele origin: germline.